The following is an entry in ClinVar:

ClinVar aggregate classification (germline): Uncertain significance (1 of 4 stars; one submission).

Conditions:
Cardiovascular phenotype. Identifiers: MedGen CN230736.

Allele frequency attached by ClinVar (database versions not stated): gnomAD exomes below 0.00001.
gnomAD v4.1: 2 of 1,614,134 alleles (0.00012%); highest among the groups gnomAD compares: East Asian, 0.0022%; no homozygotes.

Submission:

Ambry Genetics
Classification: Uncertain significance for Cardiovascular phenotype. Last evaluated: 2024-03-05. Review status: criteria provided, single submitter. Criteria: Ambry Variant Classification Scheme 2023. Collection method: clinical testing. Allele origin: germline.
Comment: The p.S2504T variant (also known as c.7510T>A), located in coding exon 26 of the APOB gene, results from a T to A substitution at nucleotide position 7510. The serine at codon 2504 is replaced by threonine, an amino acid with similar properties. This amino acid position is conserved. In addition, this alteration is predicted to be tolerated by in silico analysis. Based on the available evidence, the clinical significance of this alteration remains unclear.

NM_000384.3(APOB):c.7510T>A (p.Ser2504Thr)

Gene: APOB (apolipoprotein B; minus strand). Cytogenetic location: 2p24.1.
Variant type: single nucleotide variant.
Coding change: c.7510T>A on transcript NM_000384.3 (MANE Select); coding-DNA position 7510, T replaced by A.
Protein change: p.Ser2504Thr; replaces serine 2504 with threonine.
Molecular consequence: missense variant.
Genome position (GRCh38, 1-based): chr2:21,009,358, A>T on the plus strand (T>A on the coding strand, the complement: APOB is on the minus strand). VCF-style: chr2-21009358-A-T. GRCh37 (hg19) VCF-style: chr2-21232230-A-T.
Other names: short protein forms S2504T.
Identifiers: ClinVar variation 3231450 (VCV003231450.1), dbSNP rs1663242431, ClinGen allele CA345996998.
Genomic context (GRCh38, chr2:21,009,358, plus strand): 5'-ACATTCGGTCTCGTGTATCTTCTAGGGTCTCTCGGAATTTGGCCTTCATGTGAGCCAAAG[A>T]TGCTGAACTTAAAGCCTCCTGTAACCAATTGATGATTAAGGTTATTTTGGTGTCCTGTAG-3'
Protein context (NP_000375.3, residues 2494-2514): NWLQEALSSA[Ser2504Thr]LAHMKAKFRE